The following is an entry in ClinVar:

ClinVar aggregate classification (germline): Uncertain significance. Review status: criteria provided, multiple submitters, no conflicts (2 of 4 stars). 3 submissions from 3 submitters: Uncertain significance (2). 1 of the submissions does not count toward it. Last evaluated 2025-07-31.

Conditions:
Retinitis pigmentosa 71 (RP71). Identifiers: Orphanet 791, MedGen C4225342, MONDO:0014618, OMIM 616394.
Bardet-Biedl syndrome 20. Identifiers: MedGen C4310707, MONDO:0023670, OMIM 619471, MONDO:0014926.
Short-rib thoracic dysplasia 10 with or without polydactyly (SRTD10). Identifiers: Orphanet 474, MedGen C3810175, MONDO:0014284, OMIM 615630.
IFT172-related disorder. Also called: IFT172-related condition; IFT172-related disorders.

Allele frequency attached by ClinVar (database versions not stated): 1000 Genomes Project 30x 0.00016; ExAC 0.00001; gnomAD exomes below 0.00001; 1000 Genomes Project 0.00020; TOPMed 0.00004; gnomAD 0.00005.
gnomAD v4.1: 10 of 1,613,844 alleles (0.00062%); highest among the groups gnomAD compares: African/African-American, 0.013%; no homozygotes.

Submissions (3):

Labcorp Genetics (formerly Invitae), Labcorp
Classification: Uncertain significance for Retinitis pigmentosa 71; Short-rib thoracic dysplasia 10 with or without polydactyly. Last evaluated: 2025-07-31. Review status: criteria provided, single submitter. Criteria: Invitae Variant Classification Sherloc (09022015). Collection method: clinical testing. Allele origin: germline.
Comment: This sequence change falls in intron 30 of the IFT172 gene. It does not directly change the encoded amino acid sequence of the IFT172 protein. It affects a nucleotide within the consensus splice site. This variant is present in population databases (rs150011917, gnomAD 0.008%). This variant has not been reported in the literature in individuals affected with IFT172-related conditions. ClinVar contains an entry for this variant (Variation ID: 1010018). Variants that disrupt the consensus splice site are a relatively common cause of aberrant splicing (PMID: 17576681, 9536098). Algorithms developed to predict the effect of sequence changes on RNA splicing suggest that this variant is not likely to affect RNA splicing. In summary, the available evidence is currently insufficient to determine the role of this variant in disease. Therefore, it has been classified as a Variant of Uncertain Significance.

Fulgent Genetics
Classification: Uncertain significance for Short-rib thoracic dysplasia 10 with or without polydactyly; Retinitis pigmentosa 71; Bardet-Biedl syndrome 20. Last evaluated: 2024-04-19. Review status: criteria provided, single submitter. Criteria: ACMG Guidelines, 2015. Collection method: clinical testing. Allele origin: germline.

PreventionGenetics, part of Exact Sciences
Classification: Likely benign for IFT172-related condition. Last evaluated: 2023-12-11. Review status: no assertion criteria provided. Collection method: clinical testing. Allele origin: germline. Not counted in ClinVar's aggregate classification.
Comment: This variant is classified as likely benign based on ACMG/AMP sequence variant interpretation guidelines (Richards et al. 2015 PMID: 25741868, with internal and published modifications).

Literature cited by the submitters: PubMed 17576681 (cited by Labcorp Genetics (formerly Invitae), Labcorp); PubMed 9536098 (cited by Labcorp Genetics (formerly Invitae), Labcorp).

NM_015662.3(IFT172):c.3372-3C>T

Gene: IFT172 (intraflagellar transport 172; minus strand). Cytogenetic location: 2p23.3.
Variant type: single nucleotide variant.
Coding change: c.3372-3C>T on transcript NM_015662.3 (MANE Select); 3 bases into the intron before coding-DNA position 3372, C replaced by T.
Molecular consequence: intron variant.
Genome position (GRCh38, 1-based): chr2:27,454,663, G>A on the plus strand (C>T on the coding strand, the complement: IFT172 is on the minus strand). VCF-style: chr2-27454663-G-A. GRCh37 (hg19) VCF-style: chr2-27677530-G-A.
Other names: c.3372-3C>T (NM_015662.2).
Identifiers: ClinVar variation 1010018 (VCV001010018.10), dbSNP rs150011917, ClinGen allele CA1579999.